The following is an entry in ClinVar:

ClinVar aggregate classification (germline): Conflicting classifications of pathogenicity. Review status: criteria provided, conflicting classifications (1 of 4 stars). 2 submissions from 1 submitter: Uncertain significance (1); Likely benign (1). Last evaluated 2024-01-22.

Conditions:
Congenital muscular hypertrophy-cerebral syndrome (CDLS2). Also called: SMC1A-Related Cornelia de Lange Syndrome; Cornelia de Lange syndrome 2. Identifiers: Orphanet 199, MedGen C1802395, MONDO:0010370, OMIM 300590.
Intellectual developmental disorder, X-linked 1. Also called: MENTAL RETARDATION, X-LINKED 18; MENTAL RETARDATION, X-LINKED 78; Atkin Flaitz Patil Smith syndrome; Intellectual disability, X-linked 1. Identifiers: Orphanet 777, MedGen C2931498, MONDO:0010656, OMIM 309530.

Submissions (2):

Labcorp Genetics (formerly Invitae), Labcorp
Classification: Likely benign for Intellectual developmental disorder, X-linked 1. Last evaluated: 2024-01-22. Review status: criteria provided, single submitter. Criteria: Invitae Variant Classification Sherloc (09022015). Collection method: clinical testing. Allele origin: unknown.

Labcorp Genetics (formerly Invitae), Labcorp
Classification: Uncertain significance for Congenital muscular hypertrophy-cerebral syndrome. Last evaluated: 2019-12-30. Review status: criteria provided, single submitter. Criteria: Invitae Variant Classification Sherloc (09022015). Collection method: clinical testing. Allele origin: germline.
Comment: This variant results in a copy number gain of the genomic region encompassing exons 20-25 of the SMC1A gene. The 5' boundary is likely confined to intron 19. The 3' end of this event is unknown as it extends beyond the assayed region for this gene and therefore may encompass additional genes. As the precise location of this event is unknown, it may be in tandem or it may be located elsewhere in the genome. This variant has not been reported in the literature in individuals with SMC1A-related disease. In summary, the available evidence is currently insufficient to determine the role of this variant in disease. Therefore, it has been classified as a Variant of Uncertain Significance.

NC_000023.10:g.(?_53349595)_(53410194_?)dup

Genes: IQSEC2 (IQ motif and Sec7 domain ArfGEF 2; minus strand), SMC1A (structural maintenance of chromosomes 1A; minus strand). Cytogenetic location: Xp11.22.
Variant type: Duplication.
Identifiers: ClinVar variation 583438 (VCV000583438.4).